The following is an entry in ClinVar:

ClinVar aggregate classification (germline): Uncertain significance. Review status: criteria provided, multiple submitters, no conflicts (2 of 4 stars). 2 submissions from 2 submitters: Uncertain significance (2). Last evaluated 2025-12-16.

Allele frequency attached by ClinVar (database versions not stated): gnomAD exomes 0.00001; TOPMed 0.00001.
gnomAD v4.1: 7 of 1,604,788 alleles (0.00044%); highest among the groups gnomAD compares: Admixed American, 0.007%; no homozygotes.

Submissions (2):

Labcorp Genetics (formerly Invitae), Labcorp
Classification: Uncertain significance. Last evaluated: 2025-12-16. Review status: criteria provided, single submitter. Criteria: Invitae Variant Classification Sherloc (09022015). Collection method: clinical testing. Allele origin: germline.
Comment: This sequence change replaces proline, which is neutral and non-polar, with serine, which is neutral and polar, at codon 441 of the SRP72 protein (p.Pro441Ser). This variant is present in population databases (rs747808351, gnomAD 0.01%). This variant has not been reported in the literature in individuals affected with SRP72-related conditions. ClinVar contains an entry for this variant (Variation ID: 1403132). An algorithm developed to predict the effect of missense changes on protein structure and function (PolyPhen-2) suggests that this variant is likely to be tolerated. In summary, the available evidence is currently insufficient to determine the role of this variant in disease. Therefore, it has been classified as a Variant of Uncertain Significance.

Ambry Genetics
Classification: Uncertain significance. Last evaluated: 2024-10-05. Review status: criteria provided, single submitter. Criteria: Ambry Variant Classification Scheme 2023. Collection method: clinical testing. Allele origin: germline.
Comment: The p.P441S variant (also known as c.1321C>T) is located in coding exon 14 of the SRP72 gene. The proline at codon 441 is replaced by serine, an amino acid with similar properties. This change occurs in the first base pair of coding exon 14. This amino acid position is conserved. In addition, this alteration is predicted to be tolerated by in silico analysis. Based on the available evidence, the clinical significance of this variant remains unclear.

NM_006947.4(SRP72):c.1321C>T (p.Pro441Ser)

Gene: SRP72 (signal recognition particle 72; plus strand). Cytogenetic location: 4q12.
Variant type: single nucleotide variant.
Coding change: c.1321C>T on transcript NM_006947.4 (MANE Select); coding-DNA position 1321, C replaced by T.
Protein change: p.Pro441Ser; replaces proline 441 with serine.
Molecular consequence: missense variant. On other transcripts: non-coding transcript variant (1).
Genome position (GRCh38, 1-based): chr4:56,490,333, C>T. VCF-style: chr4-56490333-C-T. GRCh37 (hg19) VCF-style: chr4-57356499-C-T.
Other names: c.1321C>T (NM_006947.3); c.1138C>T, p.Pro380Ser (NM_001267722.2); short protein forms P380S, P441S.
Identifiers: ClinVar variation 1403132 (VCV001403132.7), dbSNP rs747808351, ClinGen allele CA97607184.